The following is an entry in ClinVar:

NM_001018005.2(TPM1):c.562G>A (p.Gly188Ser)

Gene: TPM1 (tropomyosin 1; plus strand). Cytogenetic location: 15q22.2.
Variant type: single nucleotide variant.
Coding change: c.562G>A on transcript NM_001018005.2 (MANE Select); coding-DNA position 562, G replaced by A.
Protein change: p.Gly188Ser; replaces glycine 188 with serine.
Molecular consequence: missense variant.
Genome position (GRCh38, 1-based): chr15:63,060,938, G>A. VCF-style: chr15-63060938-G-A. GRCh37 (hg19) VCF-style: chr15-63353137-G-A.
Other names: c.562G>A, p.Gly188Ser (NM_000366.6, NM_001018004.2, NM_001018006.2 and 6 more transcripts); c.454G>A, p.Gly152Ser (NM_001018008.2, NM_001301289.2, NM_001330344.2 and 5 more transcripts); c.688G>A, p.Gly230Ser (NM_001365778.1); short protein forms G188S, G230S, G152S.
Identifiers: ClinVar variation 921896 (VCV000921896.11), dbSNP rs2035531508, ClinGen allele CA392723335.

ClinVar aggregate classification (germline): Uncertain significance. Review status: criteria provided, multiple submitters, no conflicts (2 of 4 stars). 2 submissions from 2 submitters: Uncertain significance (2). Last evaluated 2025-02-05.

Conditions:
Cardiomyopathy (CMYO). Also called: Cardiomyopathies. Identifiers: Orphanet 167848, MedGen C0878544, MONDO:0004994, HP:0001638. Inheritance: Various modes of inheritance.
Hypertrophic cardiomyopathy. Also called: HYPERTROPHIC MYOCARDIOPATHY. Identifiers: Orphanet 217569, MedGen C0007194, MeSH D002312, MONDO:0005045, HP:0001639.

Submissions (2):

Labcorp Genetics (formerly Invitae), Labcorp
Classification: Uncertain significance for Hypertrophic cardiomyopathy. Last evaluated: 2025-02-05. Review status: criteria provided, single submitter. Criteria: Invitae Variant Classification Sherloc (09022015). Collection method: clinical testing. Allele origin: germline.
Comment: This sequence change replaces glycine, which is neutral and non-polar, with serine, which is neutral and polar, at codon 188 of the TPM1 protein (p.Gly188Ser). This variant is not present in population databases (gnomAD no frequency). This variant has not been reported in the literature in individuals affected with TPM1-related conditions. ClinVar contains an entry for this variant (Variation ID: 921896). An algorithm developed to predict the effect of missense changes on protein structure and function outputs the following: PolyPhen-2: "Benign". The serine amino acid residue is found in multiple mammalian species, which suggests that this missense change does not adversely affect protein function. In summary, the available evidence is currently insufficient to determine the role of this variant in disease. Therefore, it has been classified as a Variant of Uncertain Significance.

Color Diagnostics, LLC DBA Color Health
Classification: Uncertain significance for Cardiomyopathy. Last evaluated: 2018-11-29. Review status: criteria provided, single submitter. Criteria: ACMG Guidelines, 2015. Collection method: clinical testing. Allele origin: germline.
Comment: Variant of Uncertain Significance due to insufficient evidence: This missense variant replaces glycine with serine at codon 188 of the TPM1 protein. Computational prediction tools and conservation analyses are inconclusive regarding the impact of this variant on the protein function. Computational splicing tools suggest that this variant may not impact RNA splicing. To our knowledge, functional assays have not been performed for this variant nor has this variant been reported in individuals affected with cardiovascular disorders in the literature. This variant is rare in the general population and has been identified in 0/277264 chromosomes by the Genome Aggregation Database (gnomAD). Available evidence is insufficient to determine the pathogenicity of this variant conclusively.